The following is an entry in ClinVar:

ClinVar aggregate classification (germline): Likely pathogenic (1 of 4 stars; one submission).

Conditions:
Familial dysautonomia. Also called: HSAN III; FD. Identifiers: Orphanet 1764, MedGen C0013364, MONDO:0009131, OMIM 223900. Disease mechanism: loss of function.

Submission:

Myriad Genetics, Inc.
Classification: Likely pathogenic for Familial dysautonomia. Last evaluated: 2022-05-18. Review status: criteria provided, single submitter. Criteria: Myriad Women's Health Autosomal Recessive and X-Linked Classification Criteria (2021). Collection method: clinical testing. Allele origin: unknown.
Comment: NM_003640.3(ELP1):c.3363_3366delGGCA(M1121Ifs*19) is expected to be pathogenic in the context of familial dysautonomia. This variant is predicted to lead to an abnormal or absent protein product due to the creation of a premature termination codon in ELP1, a gene where loss-of-function variants are known to be pathogenic. Please note: this variant was assessed in the context of healthy population screening.

NM_003640.5(ELP1):c.3363_3366del (p.Met1121fs)

Gene: ELP1 (elongator acetyltransferase complex subunit 1; minus strand). Cytogenetic location: 9q31.3.
Variant type: Deletion.
Coding change: c.3363_3366del on transcript NM_003640.5 (MANE Select); coding-DNA positions 3363 to 3366, 4 bases deleted (GGCA; older notation c.3363_3366delGGCA).
Protein change: p.Met1121fs; shifts the reading frame from methionine 1121.
Molecular consequence: frameshift variant.
Genome position (GRCh38, 1-based): chr9:108,880,146-108,880,149, TGCC deleted on the plus strand (GGCA on the coding strand, the reverse complement: ELP1 is on the minus strand). VCF-style (leftmost placement, unchanged base first): chr9-108880145-ATGCC-A. GRCh37 (hg19) VCF-style: chr9-111642425-ATGCC-A.
Other names: c.3021_3024del, p.Met1007fs (NM_001318360.2); c.2316_2319del, p.Met772fs (NM_001330749.2); short protein forms M1007fs, M1121fs, M772fs.
Identifiers: ClinVar variation 1726105 (VCV001726105.2), dbSNP rs2537859430, ClinGen allele CA2580079400.